The following is an entry in ClinVar:

NM_012418.4(FSCN2):c.131A>C (p.Gln44Pro)

Gene: FSCN2 (fascin actin-bundling protein 2, retinal; plus strand). Cytogenetic location: 17q25.3.
Variant type: single nucleotide variant.
Coding change: c.131A>C on transcript NM_012418.4 (MANE Select); coding-DNA position 131, A replaced by C.
Protein change: p.Gln44Pro; replaces glutamine 44 with proline.
Molecular consequence: missense variant.
Genome position (GRCh38, 1-based): chr17:81,528,662, A>C. VCF-style: chr17-81528662-A-C. GRCh37 (hg19) VCF-style: chr17-79495688-A-C.
Other names: c.131A>C, p.Gln44Pro (NM_001077182.3); short protein forms Q44P.
Identifiers: ClinVar variation 2798075 (VCV002798075.3), dbSNP rs781923691, ClinGen allele CA401469854.
Genomic context (GRCh38, chr17:81,528,662, plus strand): 5'-TGACAGCTGAGAGCTTCGGCTTCAAGGTCAATGCCTCGGCACCCAGCCTCAAGAGGAAGC[A>C]GACCTGGGTGCTGGAACCCGACCCAGGACAAGGCACGGCTGTGCTGCTCCGCAGCAGCCA-3'
Protein context (NP_036550.1, residues 34-54): NASAPSLKRK[Gln44Pro]TWVLEPDPGQ

ClinVar aggregate classification (germline): Uncertain significance (1 of 4 stars; one submission).

gnomAD v4.1: 1 of 1,602,588 alleles (0.000062%); highest among the groups gnomAD compares: Non-Finnish European, 0.000085%; no homozygotes.

Submission:

Labcorp Genetics (formerly Invitae), Labcorp
Classification: Uncertain significance. Last evaluated: 2026-01-12. Review status: criteria provided, single submitter. Criteria: Invitae Variant Classification Sherloc (09022015). Collection method: clinical testing. Allele origin: germline.
Comment: This sequence change replaces glutamine, which is neutral and polar, with proline, which is neutral and non-polar, at codon 44 of the FSCN2 protein (p.Gln44Pro). This variant is not present in population databases (gnomAD no frequency). This variant has not been reported in the literature in individuals affected with FSCN2-related conditions. ClinVar contains an entry for this variant (Variation ID: 2798075). An algorithm developed to predict the effect of missense changes on protein structure and function (PolyPhen-2) suggests that this variant is likely to be disruptive. In summary, the available evidence is currently insufficient to determine the role of this variant in disease. Therefore, it has been classified as a Variant of Uncertain Significance.